The following is an entry in ClinVar:

ClinVar aggregate classification (germline): Uncertain significance. Review status: criteria provided, multiple submitters, no conflicts (2 of 4 stars). 13 submissions from 13 submitters: Uncertain significance (11). 2 of the submissions do not count toward it. Last evaluated 2025-11-25.

Conditions:
Breast and/or ovarian cancer. Identifiers: MedGen CN221562.
ATM-related disorder. Also called: ATM-related disorders; ATM-related condition.
Hereditary cancer-predisposing syndrome. Also called: Neoplastic Syndromes, Hereditary; Hereditary neoplastic syndrome; Tumor predisposition; Hereditary Cancer Syndrome. Identifiers: Orphanet 140162, MedGen C0027672, MeSH D009386, MONDO:0015356.
Ataxia-telangiectasia syndrome (AT). Also called: Cerebello-oculocutaneous telangiectasia; Immunodeficiency with ataxia telangiectasia; ATAXIA-TELANGIECTASIA, COMPLEMENTATION GROUP A; ATAXIA-TELANGIECTASIA, FRESNO VARIANT; Ataxia-telangiectasia; Ataxia telangiectasia (A-T). Identifiers: Orphanet 100, MedGen C0004135, MONDO:0008840, OMIM 208900.
Familial cancer of breast. Also called: hereditary breast carcinoma; Hereditary breast cancer; BREAST CANCER, FAMILIAL. Identifiers: Orphanet 227535, MedGen C0346153, MONDO:0016419, OMIM 114480. Disease mechanism: loss of function.

Allele frequency attached by ClinVar (database versions not stated): gnomAD exomes 0.00001 and below 0.00001; gnomAD 0.00001; TOPMed 0.00002.
gnomAD v4.1: 7 of 1,612,910 alleles (0.00043%); highest among the groups gnomAD compares: East Asian, 0.0045%; no homozygotes.

Submissions (13):

Labcorp Genetics (formerly Invitae), Labcorp
Classification: Uncertain significance for Ataxia-telangiectasia syndrome. Last evaluated: 2025-11-25. Review status: criteria provided, single submitter. Criteria: Invitae Variant Classification Sherloc (09022015). Collection method: clinical testing. Allele origin: germline.
Comment: This sequence change replaces asparagine, which is neutral and polar, with serine, which is neutral and polar, at codon 975 of the ATM protein (p.Asn975Ser). This variant is present in population databases (rs730881354, gnomAD 0.006%). This missense change has been observed in individual(s) with breast cancer and ovarian cancer (PMID: 19781682, 34326862, 36029002). ClinVar contains an entry for this variant (Variation ID: 181937). An algorithm developed to predict the effect of missense changes on protein structure and function outputs the following: PolyPhen-2: "Benign". The serine amino acid residue is found in multiple mammalian species, which suggests that this missense change does not adversely affect protein function. RNA analysis performed to evaluate the impact of this missense change on mRNA splicing indicates it does not significantly alter splicing (internal data). In summary, the available evidence is currently insufficient to determine the role of this variant in disease. Therefore, it has been classified as a Variant of Uncertain Significance.

3billion
Classification: Uncertain significance for ATM-related disorder. Last evaluated: 2025-10-06. Review status: criteria provided, single submitter. Criteria: ACMG Guidelines, 2015. Collection method: clinical testing. Allele origin: germline. Affected: yes.
Comment: The variant is observed at an extremely low frequency in the gnomAD v4.1.0 dataset (total allele frequency: <0.001%). Predicted Consequence/Location: Missense variant In silico tools predict the variant to alter splicing and produce an abnormal transcript [SpliceAI: 0.86 (>=0.2, moderate evidence for spliceogenicity)]. The variant has been reported as of uncertain significance (ClinVar ID: VCV000181937; PMID: 19781682; 3billion dataset). Different missense changes at the same codon have been reported as of uncertain significance (ClinVar ID: VCV002798194, VCV000481311, VCV001797732, VCV003232717). Therefore, this variant is classified as VUS according to the recommendation of ACMG/AMP guideline.

Fulgent Genetics
Classification: Uncertain significance for Familial cancer of breast; Ataxia-telangiectasia syndrome. Last evaluated: 2024-02-06. Review status: criteria provided, single submitter. Criteria: ACMG Guidelines, 2015. Collection method: clinical testing. Allele origin: germline.

Baylor Genetics
Classification: Uncertain significance for Familial cancer of breast. Last evaluated: 2024-01-12. Review status: criteria provided, single submitter. Criteria: ACMG Guidelines, 2015. Collection method: clinical testing. Allele origin: unknown.

Ambry Genetics
Classification: Uncertain significance for Hereditary cancer-predisposing syndrome. Last evaluated: 2023-07-07. Review status: criteria provided, single submitter. Criteria: Ambry Variant Classification Scheme 2023. Collection method: clinical testing. Allele origin: germline.
Comment: The p.N975S variant (also known as c.2924A>G), located in coding exon 19 of the ATM gene, results from an A to G substitution at nucleotide position 2924. The asparagine at codon 975 is replaced by serine, an amino acid with highly similar properties. This alteration has been reported in at least one subject in a study of 13087 breast cancer cases and 5488 control individuals in the UK (Decker B et al. J Med Genet, 2017 11;54:732-741). This alteration has also been detected in 1/2531 breast cancer cases and 0/2245 controls (Tavtigian SV et al. Am J Hum Genet, 2009 Oct;85:427-46). This amino acid position is not well conserved in available vertebrate species. In addition, this alteration is predicted to be tolerated by in silico analysis. Since supporting evidence is limited at this time, the clinical significance of this alteration remains unclear.

GeneDx
Classification: Uncertain significance. Last evaluated: 2023-05-16. Review status: criteria provided, single submitter. Criteria: GeneDx Variant Classification Process June 2021. Collection method: clinical testing. Allele origin: germline. Affected: yes.
Comment: Not observed at significant frequency in large population cohorts (gnomAD); In silico analysis supports a deleterious effect on splicing; In silico analysis supports that this missense variant does not alter protein structure/function; Observed in breast cancer cases and controls (Tavtigian et al., 2009; Decker et al., 2017); This variant is associated with the following publications: (PMID: 19781682, 28779002)

CHEO Genetics Diagnostic Laboratory, Children's Hospital of Eastern Ontario
Classification: Uncertain significance for Breast and/or ovarian cancer. Last evaluated: 2022-11-18. Review status: criteria provided, single submitter. Criteria: ACMG Guidelines, 2015. Collection method: clinical testing. Allele origin: germline.

Women's Health and Genetics/Laboratory Corporation of America, LabCorp
Classification: Uncertain significance. Last evaluated: 2022-02-03. Review status: criteria provided, single submitter. Criteria: LabCorp Variant Classification Summary - May 2015. Collection method: clinical testing. Allele origin: germline.
Comment: Variant summary: ATM c.2924A>G (p.Asn975Ser) results in a conservative amino acid change in the encoded protein sequence. Five of five in-silico tools predict a benign effect of the variant on protein function. 4/4 computational tools predict no significant impact on normal splicing. However, these predictions have yet to be confirmed by functional studies. The variant allele was found at a frequency of 8e-06 in 250842 control chromosomes (gnomAD). The available data on variant occurrences in the general population are insufficient to allow any conclusion about variant significance. c.2924A>G has been reported in an individual affected with Breast Cancer without evidence for causality (Tavtigian_2009). To our knowledge, no experimental evidence demonstrating an impact on protein function has been reported. Seven clinical diagnostic laboratories have submitted clinical-significance assessments for this variant to ClinVar after 2014 and classified the variant as uncertain significance. Based on the evidence outlined above, the variant was classified as uncertain significance.

Sema4
Classification: Uncertain significance for Hereditary cancer-predisposing syndrome. Last evaluated: 2021-07-01. Review status: criteria provided, single submitter. Criteria: Sema4 Curation Guidelines. Collection method: curation. Allele origin: germline.
Comment: The ATM c.2924A>G (p.N975S) variant has been reported in individuals with breast cancer however, it was also observed in controls (PMID: 19781682, 33471991, 28779002). It was observed in 2/250842 chromosomes in the large and broad cohorts of the Genome Aggregation Database (PMID: 32461654). The variant has been reported in ClinVar (Variation ID 181937). In silico tools suggest the impact of the variant on protein function is benign though these predictions have not been confirmed by functional studies. The evidence is insufficient to meet ACMG/AMP criteria for classifying the variant as benign or pathogenic. Thus, the clinical significance of this variant is currently uncertain.

Color Diagnostics, LLC DBA Color Health
Classification: Uncertain significance for Hereditary cancer-predisposing syndrome. Last evaluated: 2021-03-08. Review status: criteria provided, single submitter. Criteria: ACMG Guidelines, 2015. Collection method: clinical testing. Allele origin: germline.
Comment: This missense variant replaces asparagine with serine at codon 975 of the ATM protein. Computational prediction suggests that this variant may not impact protein structure and function (internally defined REVEL score threshold <= 0.5, PMID: 27666373). To our knowledge, functional studies have not been reported for this variant. This variant has been reported in an individual affected with breast cancer (PMID: 19781682). This variant has been identified in 2/250842 chromosomes in the general population by the Genome Aggregation Database (gnomAD). The available evidence is insufficient to determine the role of this variant in disease conclusively. Therefore, this variant is classified as a Variant of Uncertain Significance.

Mendelics
Classification: Uncertain significance for Ataxia-telangiectasia syndrome. Last evaluated: 2019-05-28. Review status: criteria provided, single submitter. Criteria: Mendelics Assertion Criteria 2017. Collection method: clinical testing. Allele origin: unknown.

Natera, Inc.
Classification: Uncertain significance for Ataxia-telangiectasia. Last evaluated: 2020-09-16. Review status: no assertion criteria provided. Collection method: clinical testing. Allele origin: germline. Not counted in ClinVar's aggregate classification.

Counsyl
Classification: Uncertain significance for Ataxia-telangiectasia syndrome. Last evaluated: 2018-02-14. Review status: no assertion criteria provided. Collection method: clinical testing. Allele origin: unknown. Not counted in ClinVar's aggregate classification.

Literature cited by the submitters: PubMed 19781682 (cited by 4 submitters); PubMed 34326862 (cited by Labcorp Genetics (formerly Invitae), Labcorp); PubMed 36029002 (cited by Labcorp Genetics (formerly Invitae), Labcorp); PubMed 28779002 (cited by Ambry Genetics and Sema4); PubMed 33471991 (cited by Ambry Genetics and Sema4).

NM_000051.4(ATM):c.2924A>G (p.Asn975Ser)

Gene: ATM (ATM serine/threonine kinase; plus strand). Cytogenetic location: 11q22.3.
Variant type: single nucleotide variant.
Coding change: c.2924A>G on transcript NM_000051.4 (MANE Select); coding-DNA position 2924, A replaced by G.
Protein change: p.Asn975Ser; replaces asparagine 975 with serine.
Molecular consequence: missense variant.
Genome position (GRCh38, 1-based): chr11:108,271,253, A>G. VCF-style: chr11-108271253-A-G. GRCh37 (hg19) VCF-style: chr11-108141980-A-G.
Other names: p.N975S:AAT>AGT; c.2924A>G, p.Asn975Ser (NM_001351834.2); short protein forms N975S.
Identifiers: ClinVar variation 181937 (VCV000181937.34), dbSNP rs730881354, ClinGen allele CA298191.